The following is an entry in ClinVar:

NM_000093.5(COL5A1):c.1390-259G>A

Gene: COL5A1 (collagen type V alpha 1 chain; plus strand). Cytogenetic location: 9q34.3.
Variant type: single nucleotide variant.
Coding change: c.1390-259G>A on transcript NM_000093.5 (MANE Select); 259 bases into the intron before coding-DNA position 1390, G replaced by A.
Molecular consequence: intron variant.
Genome position (GRCh38, 1-based): chr9:134,738,215, G>A. VCF-style: chr9-134738215-G-A. GRCh37 (hg19) VCF-style: chr9-137630061-G-A.
Other names: c.1390-259G>A (NM_001278074.1).
Identifiers: ClinVar variation 669681 (VCV000669681.1), dbSNP rs78731511, ClinGen allele CA15599301.

ClinVar aggregate classification (germline): Benign (1 of 4 stars; one submission).

Allele frequency attached by ClinVar (database versions not stated): 1000 Genomes Project 0.02496; 1000 Genomes Project 30x 0.02592; TOPMed 0.03956; gnomAD 0.04039 and 0.04043.
gnomAD v4.1: 6,166 of 152,220 alleles (4.1%); highest among the groups gnomAD compares: Non-Finnish European, 6.3%; 185 homozygotes.

Submission:

GeneDx
Classification: Benign. Last evaluated: 2018-06-14. Review status: criteria provided, single submitter. Criteria: GeneDx Variant Classification (06012015). Collection method: clinical testing. Allele origin: germline. Affected: yes.
Comment: This variant is considered likely benign or benign based on one or more of the following criteria: it is a conservative change, it occurs at a poorly conserved position in the protein, it is predicted to be benign by multiple in silico algorithms, and/or has population frequency not consistent with disease.